The following is an entry in ClinVar:

ClinVar aggregate classification (germline): Uncertain significance. Review status: criteria provided, multiple submitters, no conflicts (2 of 4 stars). 4 submissions from 4 submitters: Uncertain significance (4). Last evaluated 2026-02-11.

Conditions:
POLD1-related polyposis and colorectal cancer syndrome (CRCS10). Also called: Colorectal cancer, susceptibility to, 10; Colorectal cancer 10; COLORECTAL CANCER, SUSCEPTIBILITY TO, ON CHROMOSOME 19q. Identifiers: Orphanet 220460, MedGen C2675481, MONDO:0012953, OMIM 612591.
Hereditary cancer-predisposing syndrome. Also called: Neoplastic Syndromes, Hereditary; Hereditary neoplastic syndrome; Hereditary Cancer Syndrome; Tumor predisposition. Identifiers: Orphanet 140162, MedGen C0027672, MeSH D009386, MONDO:0015356.

Allele frequency attached by ClinVar (database versions not stated): TOPMed below 0.00001; gnomAD exomes 0.00001; ExAC 0.00002; gnomAD 0.00003; 1000 Genomes Project 0.00020; 1000 Genomes Project 30x 0.00031.

Submissions (4):

St. Jude Molecular Pathology, St. Jude Children's Research Hospital
Classification: Uncertain significance for POLD1-related polyposis and colorectal cancer syndrome. Last evaluated: 2026-02-11. Review status: criteria provided, single submitter. Criteria: St. Jude Assertion Criteria 2020. Collection method: clinical testing. Allele origin: germline.
Comment: The POLD1 c.631C>T p.(Arg211Cys) missense cha nge has a maximum subpopulation frequency of 0.009% in gnomAD v2.1.1. The in silico tool REVEL predicts a benign effect on protein function, but to our knowledge this prediction has not been confirmed by functional st udies. To our knowledge, this variant has not been reported in individuals with POLD1-related disease. In summary, the evidence currently available is insufficient to determine the clinical significance of this variant. It has therefore been classified a s of uncertain significance.

Labcorp Genetics (formerly Invitae), Labcorp
Classification: Uncertain significance for POLD1-related polyposis and colorectal cancer syndrome. Last evaluated: 2026-01-11. Review status: criteria provided, single submitter. Criteria: Invitae Variant Classification Sherloc (09022015). Collection method: clinical testing. Allele origin: germline.
Comment: This sequence change replaces arginine, which is basic and polar, with cysteine, which is neutral and slightly polar, at codon 211 of the POLD1 protein (p.Arg211Cys). This variant is present in population databases (rs200679966, gnomAD 0.006%). This variant has not been reported in the literature in individuals affected with POLD1-related conditions. ClinVar contains an entry for this variant (Variation ID: 408076). Invitae Evidence Modeling of protein sequence and biophysical properties (such as structural, functional, and spatial information, amino acid conservation, physicochemical variation, residue mobility, and thermodynamic stability) indicates that this missense variant is not expected to disrupt POLD1 protein function with a negative predictive value of 80%. In summary, the available evidence is currently insufficient to determine the role of this variant in disease. Therefore, it has been classified as a Variant of Uncertain Significance.

Ambry Genetics
Classification: Uncertain significance for Hereditary cancer-predisposing syndrome. Last evaluated: 2024-12-28. Review status: criteria provided, single submitter. Criteria: Ambry Variant Classification Scheme 2023. Collection method: clinical testing. Allele origin: germline.
Comment: The p.R211C variant (also known as c.631C>T), located in coding exon 5 of the POLD1 gene, results from a C to T substitution at nucleotide position 631. The arginine at codon 211 is replaced by cysteine, an amino acid with highly dissimilar properties. This amino acid position is well conserved in available vertebrate species. In addition, this alteration is predicted to be tolerated by in silico analysis. Based on the available evidence, the clinical significance of this variant remains unclear.

GeneDx
Classification: Uncertain significance. Last evaluated: 2023-11-15. Review status: criteria provided, single submitter. Criteria: GeneDx Variant Classification Process June 2021. Collection method: clinical testing. Allele origin: germline. Affected: yes.
Comment: In silico analysis supports that this missense variant has a deleterious effect on protein structure/function; Has not been previously published as pathogenic or benign to our knowledge; This variant is associated with the following publications: (PMID: 35620275)

NM_002691.4(POLD1):c.631C>T (p.Arg211Cys)

Gene: POLD1 (DNA polymerase delta 1, catalytic subunit; plus strand). Cytogenetic location: 19q13.33.
Variant type: single nucleotide variant.
Coding change: c.631C>T on transcript NM_002691.4 (MANE Select); coding-DNA position 631, C replaced by T.
Protein change: p.Arg211Cys; replaces arginine 211 with cysteine.
Molecular consequence: missense variant. On other transcripts: non-coding transcript variant (1).
Genome position (GRCh38, 1-based): chr19:50,402,246, C>T. VCF-style: chr19-50402246-C-T. GRCh37 (hg19) VCF-style: chr19-50905503-C-T.
Other names: c.631C>T, p.Arg211Cys (NM_001256849.1, NM_001308632.1); short protein forms R211C.
Identifiers: ClinVar variation 408076 (VCV000408076.14), dbSNP rs200679966, ClinGen allele CA9595840.
Genomic context (GRCh38, chr19:50,402,246, plus strand): 5'-CAGCTTCTTCCATCCACAGGCATGTTTGGGTACCACGGGCACGGCCCCTCCCCGTTCCTG[C>T]GCATCACCGTGGCGCTGCCGCGCCTCGTGGCCCCGGCCCGCCGTCTCCTGGAACAGGGCA-3'
Protein context (NP_002682.2, residues 201-221): YHGHGPSPFL[Arg211Cys]ITVALPRLVA